The following is an entry in ClinVar:

NC_000005.10:g.(?_112737024)_(112766416_?)del

Gene: APC (APC regulator of Wnt signaling pathway; plus strand). Cytogenetic location: 5q22.2.
Variant type: Deletion.
Identifiers: ClinVar variation 537702 (VCV000537702.1).

ClinVar aggregate classification (germline): Pathogenic (1 of 4 stars; one submission).

Conditions:
Familial adenomatous polyposis 1 (FAP1). Also called: FAMILIAL ADENOMATOUS POLYPOSIS 1, ATTENUATED; POLYPOSIS, ADENOMATOUS INTESTINAL. Identifiers: MedGen C2713442, MONDO:0021056, OMIM 175100. Disease mechanism: loss of function.

Submission:

Labcorp Genetics (formerly Invitae), Labcorp
Classification: Pathogenic for Familial adenomatous polyposis 1. Last evaluated: 2017-09-01. Review status: criteria provided, single submitter. Criteria: Invitae Variant Classification Sherloc (09022015). Collection method: clinical testing. Allele origin: germline.
Comment: A gross deletion of the genomic region encompassing the full coding sequence of the APC gene has been identified. The boundaries of this event are unknown as the deletion extends beyond the assayed region for this gene and therefore may encompass additional genes. Entire gene deletions have been reported in the literature in individuals affected with familial adenomatous polyposis (PMID: 18487285, 19279422, 21643010). Loss-of-function variants in APC are known to be pathogenic (PMID: 17963004, 20685668). For these reasons, this variant has been classified as Pathogenic.

Literature cited by the submitters: PubMed 19279422; PubMed 18487285; PubMed 21643010.